The following is an entry in ClinVar:

ClinVar aggregate classification (germline): Uncertain significance. Review status: criteria provided, multiple submitters, no conflicts (2 of 4 stars). 2 submissions from 2 submitters: Uncertain significance (2). Last evaluated 2025-02-04.

Conditions:
Cardiovascular phenotype. Identifiers: MedGen CN230736.
Long QT syndrome (LQTS). Identifiers: MedGen C0023976, MeSH D008133, MONDO:0002442. Disease mechanism: loss of function. Inheritance: Various modes of inheritance.

Allele frequency attached by ClinVar (database versions not stated): gnomAD exomes below 0.00001; gnomAD 0.00001.
gnomAD v4.1: 2 of 1,614,008 alleles (0.00012%); highest among the groups gnomAD compares: South Asian, 0.0022%; no homozygotes.

Submissions (2):

Ambry Genetics
Classification: Uncertain significance for Cardiovascular phenotype. Last evaluated: 2025-02-04. Review status: criteria provided, single submitter. Criteria: Ambry Variant Classification Scheme 2023. Collection method: clinical testing. Allele origin: germline.
Comment: The p.H1127Y variant (also known as c.3379C>T), located in coding exon 9 of the AKAP9 gene, results from a C to T substitution at nucleotide position 3379. The histidine at codon 1127 is replaced by tyrosine, an amino acid with similar properties. This amino acid position is well conserved in available vertebrate species. In addition, this alteration is predicted to be tolerated by in silico analysis. Based on the available evidence, the clinical significance of this variant remains unclear.

Labcorp Genetics (formerly Invitae), Labcorp
Classification: Uncertain significance for Long QT syndrome. Last evaluated: 2023-04-04. Review status: criteria provided, single submitter. Criteria: Invitae Variant Classification Sherloc (09022015). Collection method: clinical testing. Allele origin: germline.
Comment: ClinVar contains an entry for this variant (Variation ID: 1361866). An algorithm developed to predict the effect of missense changes on protein structure and function (PolyPhen-2) suggests that this variant is likely to be disruptive. In summary, the available evidence is currently insufficient to determine the role of this variant in disease. Therefore, it has been classified as a Variant of Uncertain Significance. This sequence change replaces histidine, which is basic and polar, with tyrosine, which is neutral and polar, at codon 1127 of the AKAP9 protein (p.His1127Tyr). This variant is present in population databases (no rsID available, gnomAD 0.007%). This variant has not been reported in the literature in individuals affected with AKAP9-related conditions.

NM_005751.5(AKAP9):c.3379C>T (p.His1127Tyr)

Gene: AKAP9 (A-kinase anchoring protein 9; plus strand). Cytogenetic location: 7q21.2.
Variant type: single nucleotide variant.
Coding change: c.3379C>T on transcript NM_005751.5 (MANE Select); coding-DNA position 3379, C replaced by T.
Protein change: p.His1127Tyr; replaces histidine 1127 with tyrosine.
Molecular consequence: missense variant.
Genome position (GRCh38, 1-based): chr7:92,012,489, C>T. VCF-style: chr7-92012489-C-T. GRCh37 (hg19) VCF-style: chr7-91641803-C-T.
Other names: c.3379C>T (NM_005751.4); c.3379C>T, p.His1127Tyr (NM_147185.3); short protein forms H1127Y.
Identifiers: ClinVar variation 1361866 (VCV001361866.9), dbSNP rs1562978382, ClinGen allele CA368125864.